The following is an entry in ClinVar:

ClinVar aggregate classification (germline): Likely benign. Review status: criteria provided, multiple submitters, no conflicts (2 of 4 stars). 2 submissions from 2 submitters: Likely benign (2). Last evaluated 2025-12-01.

Conditions:
Cortical dysplasia-focal epilepsy syndrome (PTHSL1). Also called: Pitt-Hopkins-like syndrome 1. Identifiers: Orphanet 163681, Orphanet 221150, MedGen C2750246, MONDO:0012400, OMIM 610042.

Allele frequency attached by ClinVar (database versions not stated): TOPMed 0.00001; gnomAD exomes 0.00003; ExAC 0.00004.
gnomAD v4.1: 24 of 1,613,678 alleles (0.0015%); highest among the groups gnomAD compares: East Asian, 0.022%; no homozygotes.

Submissions (2):

CeGaT Center for Human Genetics Tuebingen
Classification: Likely benign. Last evaluated: 2025-12-01. Review status: criteria provided, single submitter. Criteria: CeGaT Center For Human Genetics Tuebingen Variant Classification Criteria Version 2. Collection method: clinical testing. Allele origin: germline. Affected: yes. Observed: 1 variant allele.
Comment: CNTNAP2: BP4, BP7

Labcorp Genetics (formerly Invitae), Labcorp
Classification: Likely benign for Cortical dysplasia-focal epilepsy syndrome. Last evaluated: 2025-06-17. Review status: criteria provided, single submitter. Criteria: Invitae Variant Classification Sherloc (09022015). Collection method: clinical testing. Allele origin: germline.

NM_014141.6(CNTNAP2):c.2241G>A (p.Ala747=)

Gene: CNTNAP2 (contactin associated protein 2; plus strand). Cytogenetic location: 7q35.
Variant type: single nucleotide variant.
Coding change: c.2241G>A on transcript NM_014141.6 (MANE Select); coding-DNA position 2241, G replaced by A.
Protein change: p.Ala747=; no amino-acid change (alanine 747 retained).
Molecular consequence: synonymous variant.
Genome position (GRCh38, 1-based): chr7:147,903,707, G>A. VCF-style: chr7-147903707-G-A. GRCh37 (hg19) VCF-style: chr7-147600799-G-A.
Identifiers: ClinVar variation 359186 (VCV000359186.19), dbSNP rs758102050, ClinGen allele CA4546339.
Genomic context (GRCh38, chr7:147,903,707, plus strand): 5'-ATGTGCCTGCGGCATCGAACGCAACTGCACAGATCCCAAGTACTACTGTAACTGCGACGC[G>A]GACTACAAGCAATGGTGAGTGCCTGCGGGCAGCACAGCCAGGCTCACCCTCCCAGTGTGC-3'
Protein context (NP_054860.1, residues 737-757): TDPKYYCNCD[Ala747=]DYKQWRKDAG